The following is an entry in ClinVar:

ClinVar aggregate classification (germline): Pathogenic (1 of 4 stars; one submission).

Conditions:
Autosomal recessive polycystic kidney disease (ARPKD). Also called: AR polycystic kidney disease. Identifiers: Orphanet 731, Orphanet 8378, MedGen C0085548, MeSH D017044, MONDO:0009889.

Submission:

Labcorp Genetics (formerly Invitae), Labcorp
Classification: Pathogenic for Autosomal recessive polycystic kidney disease. Last evaluated: 2018-01-29. Review status: criteria provided, single submitter. Criteria: Invitae Variant Classification Sherloc (09022015). Collection method: clinical testing. Allele origin: germline.
Comment: This sequence change creates a premature translational stop signal (p.Pro1451Glnfs*56) in the PKHD1 gene. It is expected to result in an absent or disrupted protein product. This variant is not present in population databases (ExAC no frequency). For these reasons, this variant has been classified as Pathogenic. Loss-of-function variants in PKHD1 are known to be pathogenic (PMID: 19940839). This variant has not been reported in the literature in individuals with PKHD1-related disease.

Literature cited by the submitters: PubMed 19940839.

NM_138694.4(PKHD1):c.4352_4356delinsAAGGGGTCA (p.Pro1451fs)

Gene: PKHD1 (PKHD1 ciliary IPT domain containing fibrocystin/polyductin; minus strand). Cytogenetic location: 6p12.2.
Variant type: Indel.
Coding change: c.4352_4356delinsAAGGGGTCA on transcript NM_138694.4 (MANE Select); coding-DNA positions 4352 to 4356, CCTTG replaced by AAGGGGTCA.
Protein change: p.Pro1451fs; shifts the reading frame from proline 1451.
Molecular consequence: frameshift variant.
Genome position (GRCh38, 1-based): chr6:52,025,454-52,025,458, CAAGG replaced by TGACCCCTT on the plus strand (CCTTG replaced by AAGGGGTCA on the coding strand, the reverse complement: PKHD1 is on the minus strand). VCF-style: chr6-52025454-CAAGG-TGACCCCTT. GRCh37 (hg19) VCF-style: chr6-51890252-CAAGG-TGACCCCTT.
Other names: c.4352_4356delinsAAGGGGTCA, p.Pro1451fs (NM_170724.3); short protein forms P1451fs.
Identifiers: ClinVar variation 528302 (VCV000528302.6), dbSNP rs1554198780, ClinGen allele CA658796770.